The following is an entry in ClinVar:

ClinVar aggregate classification (germline): Uncertain significance (1 of 4 stars; one submission).

Conditions:
Congenital glucose-galactose malabsorption (GGM). Also called: DIARRHEA 16; MONOSACCHARIDE MALABSORPTION. Identifiers: Orphanet 35710, MedGen C0268186, MONDO:0011731, OMIM 606824.

Submission:

Labcorp Genetics (formerly Invitae), Labcorp
Classification: Uncertain significance for Congenital glucose-galactose malabsorption. Last evaluated: 2024-01-02. Review status: criteria provided, single submitter. Criteria: Invitae Variant Classification Sherloc (09022015). Collection method: clinical testing. Allele origin: germline.
Comment: This sequence change replaces isoleucine, which is neutral and non-polar, with threonine, which is neutral and polar, at codon 280 of the SLC5A1 protein (p.Ile280Thr). This variant is not present in population databases (gnomAD no frequency). This variant has not been reported in the literature in individuals affected with SLC5A1-related conditions. ClinVar contains an entry for this variant (Variation ID: 1390583). Advanced modeling of protein sequence and biophysical properties (such as structural, functional, and spatial information, amino acid conservation, physicochemical variation, residue mobility, and thermodynamic stability) performed at Invitae indicates that this missense variant is not expected to disrupt SLC5A1 protein function with a negative predictive value of 80%. In summary, the available evidence is currently insufficient to determine the role of this variant in disease. Therefore, it has been classified as a Variant of Uncertain Significance.

NM_000343.4(SLC5A1):c.839T>C (p.Ile280Thr)

Gene: SLC5A1 (solute carrier family 5 member 1; plus strand). Cytogenetic location: 22q12.3.
Variant type: single nucleotide variant.
Coding change: c.839T>C on transcript NM_000343.4 (MANE Select); coding-DNA position 839, T replaced by C.
Protein change: p.Ile280Thr; replaces isoleucine 280 with threonine.
Molecular consequence: missense variant.
Genome position (GRCh38, 1-based): chr22:32,084,613, T>C. VCF-style: chr22-32084613-T-C. GRCh37 (hg19) VCF-style: chr22-32480600-T-C.
Other names: c.458T>C, p.Ile153Thr (NM_001256314.2); short protein forms I280T, I153T.
Identifiers: ClinVar variation 1390583 (VCV001390583.6), dbSNP rs2149492356, ClinGen allele CA411305052.